The following is an entry in ClinVar:

ClinVar aggregate classification (germline): Conflicting classifications of pathogenicity. Review status: criteria provided, conflicting classifications (1 of 4 stars). 3 submissions from 3 submitters: Pathogenic (2); Uncertain significance (1). Last evaluated 2026-04-01.

Conditions:
Arrhythmogenic right ventricular dysplasia 11. Also called: ARRHYTHMOGENIC RIGHT VENTRICULAR DYSPLASIA, FAMILIAL, 11; Arrhythmogenic right ventricular dysplasia 11 with mild palmoplantar keratoderma and woolly hair; Arrhythmogenic Right Ventricular Dysplasia/Cardiomyopathy11. Identifiers: MedGen C1864850, MONDO:0012506, OMIM 610476.
Arrhythmogenic right ventricular cardiomyopathy (ARVD). Also called: Cardiomyopathy, ARVC; Arrhythmogenic right ventricular dysplasia; Arrhythmogenic cardiomyopathy; Arrhythmogenic Right Ventricular Cardiomyopathy (ARVC). Identifiers: Orphanet 247, MedGen C0349788, MeSH D019571, MONDO:0016587. Disease mechanism: loss of function. Inheritance: Various modes of inheritance.

Submissions (3):

CeGaT Center for Human Genetics Tuebingen
Classification: Pathogenic. Last evaluated: 2026-04-01. Review status: criteria provided, single submitter. Criteria: CeGaT Center For Human Genetics Tuebingen Variant Classification Criteria Version 2. Collection method: clinical testing. Allele origin: germline. Affected: yes. Observed: 1 variant allele.
Comment: DSC2: PVS1, PM2

Labcorp Genetics (formerly Invitae), Labcorp
Classification: Pathogenic for Arrhythmogenic right ventricular dysplasia 11. Last evaluated: 2019-12-27. Review status: criteria provided, single submitter. Criteria: Invitae Variant Classification Sherloc (09022015). Collection method: clinical testing. Allele origin: germline.
Comment: Loss-of-function variants in DSC2 are known to be pathogenic (PMID: 23911551). For these reasons, this variant has been classified as Pathogenic. This variant has not been reported in the literature in individuals with DSC2-related conditions. This variant is not present in population databases (ExAC no frequency). This sequence change creates a premature translational stop signal (p.Glu90*) in the DSC2 gene. It is expected to result in an absent or disrupted protein product.

Laboratory for Molecular Medicine, Mass General Brigham Personalized Medicine
Classification: Uncertain significance for Arrhythmogenic right ventricular cardiomyopathy. Last evaluated: 2017-08-01. Review status: criteria provided, single submitter. Criteria: ACMG Guidelines, 2015. Collection method: clinical testing. Allele origin: germline. Inheritance: Autosomal unknown.
Comment: proposed classification - variant undergoing re-assessment, contact laboratory

Literature cited by the submitters: PubMed 23911551 (cited by Labcorp Genetics (formerly Invitae), Labcorp).

NM_024422.6(DSC2):c.268G>T (p.Glu90Ter)

Gene: DSC2 (desmocollin 2; minus strand). Cytogenetic location: 18q12.1.
Variant type: single nucleotide variant.
Coding change: c.268G>T on transcript NM_024422.6 (MANE Select); coding-DNA position 268, G replaced by T.
Protein change: p.Glu90Ter; replaces glutamic acid 90 with a stop codon.
Molecular consequence: nonsense.
Genome position (GRCh38, 1-based): chr18:31,092,187, C>A on the plus strand (G>T on the coding strand, the complement: DSC2 is on the minus strand). VCF-style: chr18-31092187-C-A. GRCh37 (hg19) VCF-style: chr18-28672150-C-A.
Other names: c.268G>T, p.Glu90Ter (NM_004949.5); short protein forms E90*.
Identifiers: ClinVar variation 837489 (VCV000837489.10), dbSNP rs1987624232, ClinGen allele CA402114754.